The following is an entry in ClinVar:

ClinVar aggregate classification (germline): Uncertain significance (1 of 4 stars; one submission).

Conditions:
Familial focal epilepsy with variable foci (FPEVF). Identifiers: Orphanet 98820, MedGen C1858477, MONDO:0020310.

Allele frequency attached by ClinVar (database versions not stated): TOPMed below 0.00001; gnomAD exomes 0.00001.
gnomAD v4.1: 3 of 1,614,110 alleles (0.00019%); highest among the groups gnomAD compares: Non-Finnish European, 0.00025%; no homozygotes.

Submission:

Labcorp Genetics (formerly Invitae), Labcorp
Classification: Uncertain significance for Familial focal epilepsy with variable foci. Last evaluated: 2023-12-07. Review status: criteria provided, single submitter. Criteria: Invitae Variant Classification Sherloc (09022015). Collection method: clinical testing. Allele origin: germline.
Comment: This sequence change replaces phenylalanine, which is neutral and non-polar, with leucine, which is neutral and non-polar, at codon 1579 of the DEPDC5 protein (p.Phe1579Leu). This variant is not present in population databases (gnomAD no frequency). This variant has not been reported in the literature in individuals affected with DEPDC5-related conditions. Experimental studies and prediction algorithms are not available or were not evaluated, and the functional significance of this variant is currently unknown. In summary, the available evidence is currently insufficient to determine the role of this variant in disease. Therefore, it has been classified as a Variant of Uncertain Significance.

NM_001242896.3(DEPDC5):c.4737C>A (p.Phe1579Leu)

Gene: DEPDC5 (DEP domain containing 5, GATOR1 subcomplex subunit; plus strand). Cytogenetic location: 22q12.3.
Variant type: single nucleotide variant.
Coding change: c.4737C>A on transcript NM_001242896.3 (MANE Select); coding-DNA position 4737, C replaced by A.
Protein change: p.Phe1579Leu; replaces phenylalanine 1579 with leucine.
Molecular consequence: missense variant. On other transcripts: non-coding transcript variant (5).
Genome position (GRCh38, 1-based): chr22:31,906,422, C>A. VCF-style: chr22-31906422-C-A. GRCh37 (hg19) VCF-style: chr22-32302408-C-A.
Other names: c.4710C>A, p.Phe1570Leu (NM_001136029.4); c.4437C>A, p.Phe1479Leu (NM_001242897.2); c.4671C>A, p.Phe1557Leu (NM_001363852.2, NM_001364320.2); c.4503C>A, p.Phe1501Leu (NM_001363854.2, NM_001364319.2); c.4737C>A, p.Phe1579Leu (NM_001364318.2); c.4653C>A, p.Phe1551Leu (NM_001369901.1, NM_001369902.1); c.4644C>A, p.Phe1548Leu (NM_001369903.1, NM_014662.6); short protein forms F1548L, F1579L, F1479L, F1501L, F1551L, F1557L, F1570L.
Identifiers: ClinVar variation 2895685 (VCV002895685.3), dbSNP rs2093760612, ClinGen allele CA411293179.